The following is an entry in ClinVar:

ClinVar aggregate classification (germline): Uncertain significance. Review status: criteria provided, multiple submitters, no conflicts (2 of 4 stars). 3 submissions from 3 submitters: Uncertain significance (2). 1 of the submissions does not count toward it. Last evaluated 2024-01-30.

Conditions:
Congenital myasthenic syndrome (CMS). Also called: Congenital Myasthenic Syndromes. Identifiers: Orphanet 590, MedGen C0751882, MeSH D020294, MONDO:0018940.
Inborn genetic diseases. Identifiers: MedGen C0950123, MeSH D030342.
Fetal akinesia deformation sequence 1 (FADS1). Also called: Fetal akinesia sequence; Pena-Shokeir syndrome type I. Identifiers: Orphanet 994, MedGen C1276035, MONDO:0100101, OMIM 208150, HP:0001989.
Congenital myasthenic syndrome 11. Also called: MYASTHENIC SYNDROME, CONGENITAL, Ie; Myasthenic syndrome, congenital, 11, associated with acetylcholine receptor deficiency. Identifiers: Orphanet 590, MedGen C4225367, MONDO:0014588, OMIM 616326.

Allele frequency attached by ClinVar (database versions not stated): gnomAD exomes below 0.00001; TOPMed below 0.00001.
gnomAD v4.1: 9 of 1,609,730 alleles (0.00056%); highest among the groups gnomAD compares: South Asian, 0.0011%; no homozygotes.

Submissions (3):

Ambry Genetics
Classification: Uncertain significance for Inborn genetic diseases. Last evaluated: 2024-01-30. Review status: criteria provided, single submitter. Criteria: Ambry Variant Classification Scheme 2023. Collection method: clinical testing. Allele origin: germline.

Labcorp Genetics (formerly Invitae), Labcorp
Classification: Uncertain significance for Congenital myasthenic syndrome 11; Fetal akinesia deformation sequence 1. Last evaluated: 2022-09-07. Review status: criteria provided, single submitter. Criteria: Invitae Variant Classification Sherloc (09022015). Collection method: clinical testing. Allele origin: germline.
Comment: This sequence change replaces glycine, which is neutral and non-polar, with arginine, which is basic and polar, at codon 280 of the RAPSN protein (p.Gly280Arg). The frequency data for this variant in the population databases is considered unreliable, as metrics indicate poor data quality at this position in the gnomAD database. This variant has not been reported in the literature in individuals affected with RAPSN-related conditions. ClinVar contains an entry for this variant (Variation ID: 641067). Algorithms developed to predict the effect of missense changes on protein structure and function are either unavailable or do not agree on the potential impact of this missense change (SIFT: "Deleterious"; PolyPhen-2: "Probably Damaging"; Align-GVGD: "Class C15"). In summary, the available evidence is currently insufficient to determine the role of this variant in disease. Therefore, it has been classified as a Variant of Uncertain Significance.

Natera, Inc.
Classification: Uncertain significance for Congenital myasthenic syndrome. Last evaluated: 2020-12-09. Review status: no assertion criteria provided. Collection method: clinical testing. Allele origin: germline. Not counted in ClinVar's aggregate classification.

NM_005055.5(RAPSN):c.838G>A (p.Gly280Arg)

Gene: RAPSN (receptor associated protein of the synapse; minus strand). Cytogenetic location: 11p11.2.
Variant type: single nucleotide variant.
Coding change: c.838G>A on transcript NM_005055.5 (MANE Select); coding-DNA position 838, G replaced by A.
Protein change: p.Gly280Arg; replaces glycine 280 with arginine.
Molecular consequence: missense variant. On other transcripts: intron variant (1).
Genome position (GRCh38, 1-based): chr11:47,441,685, C>T on the plus strand (G>A on the coding strand, the complement: RAPSN is on the minus strand). VCF-style: chr11-47441685-C-T. GRCh37 (hg19) VCF-style: chr11-47463237-C-T.
Other names: c.789+138G>A (NM_032645.5); short protein forms G280R.
Identifiers: ClinVar variation 641067 (VCV000641067.5), dbSNP rs1262674788, ClinGen allele CA380329479.